The following is an entry in ClinVar:

ClinVar aggregate classification (germline): Likely benign. Review status: criteria provided, multiple submitters, no conflicts (2 of 4 stars). 2 submissions from 2 submitters: Likely benign (2). Last evaluated 2025-03-11.

Conditions:
GBE1-related disorder. Also called: GBE1-related condition; GBE1-related disorders. Identifiers: MedGen CN239402.
Glycogen storage disease, type IV (GSD4). Also called: AMYLOPECTINOSIS; ANDERSEN DISEASE; BRANCHER DEFICIENCY; CIRRHOSIS, FAMILIAL, WITH DEPOSITION OF ABNORMAL GLYCOGEN; GBE1 DEFICIENCY; GLYCOGEN BRANCHING ENZYME DEFICIENCY. Identifiers: Orphanet 367, MedGen C0017923, MONDO:0009292, OMIM 232500.
Glycogen storage disease IV, classic hepatic. Also called: GSD IV, CLASSIC HEPATIC. Identifiers: MedGen C1856301.

gnomAD v4.1: 1 of 1,610,570 alleles (0.000062%); highest among the groups gnomAD compares: African/African-American, 0.0013%; no homozygotes.

Submissions (2):

Labcorp Genetics (formerly Invitae), Labcorp
Classification: Likely benign for Glycogen storage disease, type IV; Glycogen storage disease IV, classic hepatic. Last evaluated: 2025-03-11. Review status: criteria provided, single submitter. Criteria: Invitae Variant Classification Sherloc (09022015). Collection method: clinical testing. Allele origin: germline.

PreventionGenetics, part of Exact Sciences
Classification: Likely benign for GBE1-related condition. Last evaluated: 2025-03-11. Review status: criteria provided, single submitter. Criteria: ACMG Guidelines, 2015. Collection method: clinical testing. Allele origin: germline.
Comment: This variant is classified as likely benign based on ACMG/AMP sequence variant interpretation guidelines (Richards et al. 2015 PMID: 25741868, with internal and published modifications).

NM_000158.4(GBE1):c.30G>C (p.Arg10=)

Gene: GBE1 (1,4-alpha-glucan branching enzyme 1; minus strand). Cytogenetic location: 3p12.2.
Variant type: single nucleotide variant.
Coding change: c.30G>C on transcript NM_000158.4 (MANE Select); coding-DNA position 30, G replaced by C.
Protein change: p.Arg10=; no amino-acid change (arginine 10 retained).
Molecular consequence: synonymous variant.
Genome position (GRCh38, 1-based): chr3:81,761,488, C>G on the plus strand (G>C on the coding strand, the complement: GBE1 is on the minus strand). VCF-style: chr3-81761488-C-G. GRCh37 (hg19) VCF-style: chr3-81810639-C-G.
Other names: c.30G>C (NM_000158.3).
Identifiers: ClinVar variation 4791189 (VCV004791189.2).